The following is an entry in ClinVar:

NM_000051.4(ATM):c.1872G>C (p.Met624Ile)

Gene: ATM (ATM serine/threonine kinase; plus strand). Cytogenetic location: 11q22.3.
Variant type: single nucleotide variant.
Coding change: c.1872G>C on transcript NM_000051.4 (MANE Select); coding-DNA position 1872, G replaced by C.
Protein change: p.Met624Ile; replaces methionine 624 with isoleucine.
Molecular consequence: missense variant.
Genome position (GRCh38, 1-based): chr11:108,252,886, G>C. VCF-style: chr11-108252886-G-C. GRCh37 (hg19) VCF-style: chr11-108123613-G-C.
Other names: c.1872G>C, p.Met624Ile (NM_001351834.2); short protein forms M624I.
Identifiers: ClinVar variation 407456 (VCV000407456.8), dbSNP rs1060501530, ClinGen allele CA16613268.

ClinVar aggregate classification (germline): Uncertain significance (1 of 4 stars; one submission).

Conditions:
Ataxia-telangiectasia syndrome (AT). Also called: Ataxia telangiectasia (A-T); LOUIS-BAR SYNDROME; Cerebello-oculocutaneous telangiectasia; Immunodeficiency with ataxia telangiectasia; Ataxia-telangiectasia, complementation group D; AT, COMPLEMENTATION GROUP C. Identifiers: Orphanet 100, MedGen C0004135, MONDO:0008840, OMIM 208900.

Submission:

Labcorp Genetics (formerly Invitae), Labcorp
Classification: Uncertain significance for Ataxia-telangiectasia syndrome. Last evaluated: 2016-12-17. Review status: criteria provided, single submitter. Criteria: Invitae Variant Classification Sherloc (09022015). Collection method: clinical testing. Allele origin: germline.
Comment: In summary, this variant is a novel missense change that is not predicted to affect protein function. There is no indication that it causes disease, but the available evidence is currently insufficient to prove that conclusively. Therefore, it has been classified as a Variant of Uncertain Significance. Algorithms developed to predict the effect of missense changes on protein structure and function (SIFT, PolyPhen-2, Align-GVGD) all suggest that this variant is likely to be tolerated, but these predictions have not been confirmed by published functional studies. This variant is not present in population databases (ExAC no frequency) and has not been reported in the literature in individuals with an ATM-related disease. This sequence change replaces methionine with isoleucine at codon 624 of the ATM protein (p.Met624Ile). The methionine residue is moderately conserved and there is a small physicochemical difference between methionine and isoleucine.